The following is an entry in ClinVar:

NM_018486.3(HDAC8):c.311C>T (p.Ala104Val)

Gene: HDAC8 (histone deacetylase 8; minus strand). Cytogenetic location: Xq13.1.
Variant type: single nucleotide variant.
Coding change: c.311C>T on transcript NM_018486.3 (MANE Select); coding-DNA position 311, C replaced by T.
Protein change: p.Ala104Val; replaces alanine 104 with valine.
Molecular consequence: missense variant. On other transcripts: non-coding transcript variant (4), intron variant (3).
Genome position (GRCh38, 1-based): chrX:72,568,015, G>A on the plus strand (C>T on the coding strand, the complement: HDAC8 is on the minus strand). VCF-style: chrX-72568015-G-A. GRCh37 (hg19) VCF-style: chrX-71787865-G-A.
Other names: c.311C>T, p.Ala104Val (NM_001166419.2, NM_001166420.2, NM_001166422.2 and 5 more transcripts); c.164+4042C>T (NM_001166418.2, NM_001410728.1, NM_001166448.2); short protein forms A104V.
Identifiers: ClinVar variation 4882348 (VCV004882348.2).

ClinVar aggregate classification (germline): Uncertain significance (1 of 4 stars; one submission).

Submission:

Dasa
Classification: Uncertain significance. Last evaluated: 2025-09-14. Review status: criteria provided, single submitter. Criteria: DASA Assertion Criteria. Collection method: clinical testing. Allele origin: germline.
Comment: NM_018486.3(HDAC8):c.311C>T (p.Ala104Val) is a missense variant that results in the substitution of alanine with valine. This variant is absent from population databases. The currently available literature and clinical evidence are not sufficient to establish a definitive association between this variant and the reported condition. Therefore, this variant is classified as a variant of uncertain significance.